The following is an entry in ClinVar:

ClinVar aggregate classification (germline): Likely benign (1 of 4 stars; one submission).

Conditions:
NBAS-related disorder. Also called: NBAS-related condition.

gnomAD v4.1: 46 of 1,610,830 alleles (0.0029%); highest among the groups gnomAD compares: East Asian, 0.0045%; no homozygotes.

Submission:

PreventionGenetics, part of Exact Sciences
Classification: Likely benign for NBAS-related condition. Last evaluated: 2026-07-10. Review status: criteria provided, single submitter. Criteria: ACMG Guidelines, 2015. Collection method: clinical testing. Allele origin: germline.
Comment: This variant is classified as likely benign based on ACMG/AMP sequence variant interpretation guidelines (Richards et al. 2015 PMID: 25741868, with internal and published modifications).

NM_015909.4(NBAS):c.-8C>T

Genes: NBAS (NBAS subunit of NRZ tethering complex; minus strand), LOC129933155 (ATAC-STARR-seq lymphoblastoid active region 15346; plus strand). Cytogenetic location: 2p24.3.
Variant type: single nucleotide variant.
Coding change: c.-8C>T on transcript NM_015909.4 (MANE Select); 8 bases upstream of the start codon, C replaced by T.
Molecular consequence: 5 prime UTR variant. On other transcripts: non-coding transcript variant (1).
Genome position (GRCh38, 1-based): chr2:15,561,312, G>A on the plus strand (C>T on the coding strand, the complement: NBAS is on the minus strand). VCF-style: chr2-15561312-G-A. GRCh37 (hg19) VCF-style: chr2-15701436-G-A.
Identifiers: ClinVar variation 4979342 (VCV004979342.1).